The following is an entry in ClinVar:

GRCh37/hg19 16p13.3(chr16:2141136-2169208)

Gene: PKD1 (polycystin 1, transient receptor potential channel interacting; minus strand). Cytogenetic location: 16p13.3.
Variant type: copy number loss.
Identifiers: ClinVar variation 1179163 (VCV001179163.2).

ClinVar aggregate classification (germline): Pathogenic (0 of 4 stars; one submission).

Conditions:
Polycystic kidney disease, adult type (PKD1). Also called: POLYCYSTIC KIDNEY DISEASE 1 WITH OR WITHOUT POLYCYSTIC LIVER DISEASE; POLYCYSTIC KIDNEY DISEASE, ADULT, TYPE I; Polycystic Kidney Disease 1, Autosomal Dominant; Polycystic kidney disease 1; Polycystic kidney disease 1, severe; Polycystic Kidney, Autosomal Dominant. Identifiers: MedGen C3149841, MONDO:0008263, OMIM 173900.

Submission:

Fulgent Genetics
Classification: Pathogenic for Polycystic kidney disease, adult type. Review status: no assertion criteria provided. Collection method: clinical testing. Allele origin: unknown.
Comment: This variant has been detected in individual(s) who were sent for testing of Renasight - kidney gene panel.